The following is an entry in ClinVar:

ClinVar aggregate classification (germline): Uncertain significance (1 of 4 stars; one submission).

Submission:

Labcorp Genetics (formerly Invitae), Labcorp
Classification: Uncertain significance. Last evaluated: 2024-09-13. Review status: criteria provided, single submitter. Criteria: Invitae Variant Classification Sherloc (09022015). Collection method: clinical testing. Allele origin: germline.
Comment: This sequence change disrupts the translational stop signal of the IFITM5 mRNA. It is expected to extend the length of the IFITM5 protein by 8 additional amino acid residues. This variant is not present in population databases (gnomAD no frequency). This variant has not been reported in the literature in individuals affected with IFITM5-related conditions. In summary, the available evidence is currently insufficient to determine the role of this variant in disease. Therefore, it has been classified as a Variant of Uncertain Significance.

NM_001025295.3(IFITM5):c.397_*1del (p.Ter133ArgextTer?)

Gene: IFITM5 (interferon induced transmembrane protein 5; minus strand). Cytogenetic location: 11p15.5.
Variant type: Microsatellite.
Coding change: c.397_*1del on transcript NM_001025295.3 (MANE Select); coding-DNA position 397 through 1 bases downstream of the stop codon, 4 bases deleted (TGAC; older notation c.397_*1delTGAC).
Protein change: p.Ter133ArgextTer?.
Molecular consequence: frameshift variant, stop lost.
Genome position (GRCh38, 1-based): chr11:298,500-298,503, GTCA deleted on the plus strand (TGAC on the coding strand, the reverse complement: IFITM5 is on the minus strand); deleting any 4 consecutive bases within chr11:298,500-298,507 gives the same sequence; the c. name uses the placement nearest the transcript's 3' end. VCF-style (leftmost placement, unchanged base first): chr11-298499-TGTCA-T. GRCh37 (hg19) VCF-style: chr11-298499-TGTCA-T.
Identifiers: ClinVar variation 3697665 (VCV003697665.2).